The following is an entry in ClinVar:

NM_032108.4(SEMA6B):c.1092G>A (p.Pro364=)

Gene: SEMA6B (semaphorin 6B; minus strand). Cytogenetic location: 19p13.3.
Variant type: single nucleotide variant.
Coding change: c.1092G>A on transcript NM_032108.4 (MANE Select); coding-DNA position 1092, G replaced by A.
Protein change: p.Pro364=; no amino-acid change (proline 364 retained).
Molecular consequence: synonymous variant.
Genome position (GRCh38, 1-based): chr19:4,550,828, C>T on the plus strand (G>A on the coding strand, the complement: SEMA6B is on the minus strand). VCF-style: chr19-4550828-C-T. GRCh37 (hg19) VCF-style: chr19-4550840-C-T.
Identifiers: ClinVar variation 3051633 (VCV003051633.2), dbSNP rs150994490, ClinGen allele CA9102622.
Genomic context (GRCh38, chr19:4,550,828, plus strand): 5'-GCATGTGACTCAGGATGGAGGGGGTTCTCACCGGGGTCGAGGCACCTGATCCTCCGGCAC[C>T]GGCGTCCAGATGGACTCGGGGGACTTCTGCTCTCGGAAGCGGCCTTCAAACACAGCTGCC-3'
Protein context (NP_115484.2, residues 354-374): EQKSPESIWT[Pro364=]VPEDQVPRPR

ClinVar aggregate classification (germline): Likely benign (0 of 4 stars; one submission).

Conditions:
SEMA6B-related disorder. Also called: SEMA6B-related condition.

Allele frequency attached by ClinVar (database versions not stated): gnomAD exomes 0.00016; ExAC 0.00028; 1000 Genomes Project 0.00080; 1000 Genomes Project 30x 0.00094; gnomAD 0.00115; TOPMed 0.00115; ESP Exome Variant Server 0.00138.
gnomAD v4.1: 410 of 1,613,474 alleles (0.025%); highest among the groups gnomAD compares: African/African-American, 0.43%; 1 homozygote.

Submission:

PreventionGenetics, part of Exact Sciences
Classification: Likely benign for SEMA6B-related condition. Last evaluated: 2023-04-05. Review status: no assertion criteria provided. Collection method: clinical testing. Allele origin: germline.
Comment: This variant is classified as likely benign based on ACMG/AMP sequence variant interpretation guidelines (Richards et al. 2015 PMID: 25741868, with internal and published modifications).